The following is an entry in ClinVar:

ClinVar aggregate classification (germline): Uncertain significance (1 of 4 stars; one submission).

Submission:

Labcorp Genetics (formerly Invitae), Labcorp
Classification: Uncertain significance. Last evaluated: 2024-01-31. Review status: criteria provided, single submitter. Criteria: Invitae Variant Classification Sherloc (09022015). Collection method: clinical testing. Allele origin: germline.
Comment: This variant results in a copy number gain of the genomic region encompassing exon(s) 1-15 of the SH3KBP1 gene. This region includes the initiator codon of the gene. This copy number gain extends beyond the assayed region for this gene and therefore may encompass additional genes. As the precise location of this event is unknown, it may be in tandem or it may be located elsewhere in the genome. This variant has not been reported in the literature in individuals affected with SH3KBP1-related conditions. Experimental studies and prediction algorithms are not available or were not evaluated, and the functional significance of this variant is currently unknown. In summary, the available evidence is currently insufficient to determine the role of this variant in disease. Therefore, it has been classified as a Variant of Uncertain Significance.

NC_000023.10:g.(?_19564020)_(19905428_?)dup

Gene: SH3KBP1 (SH3 domain containing kinase binding protein 1; minus strand). Cytogenetic location: Xp22.12.
Variant type: Duplication.
Identifiers: ClinVar variation 1401804 (VCV001401804.5).